The following is an entry in ClinVar:

ClinVar aggregate classification (germline): Uncertain significance (1 of 4 stars; one submission).

Conditions:
PKHD1-related disorder. Also called: PKHD1-related condition.

Submission:

PreventionGenetics, part of Exact Sciences
Classification: Uncertain significance for PKHD1-related condition. Last evaluated: 2023-05-10. Review status: criteria provided, single submitter. Criteria: ACMG Guidelines, 2015. Collection method: clinical testing. Allele origin: germline.
Comment: The PKHD1 c.2200G>A variant is predicted to result in the amino acid substitution p.Val734Met. To our knowledge, this variant has not been reported in the literature or in a large population database, indicating this variant is rare. At this time, the clinical significance of this variant is uncertain due to the absence of conclusive functional and genetic evidence.

NM_138694.4(PKHD1):c.2200G>A (p.Val734Met)

Gene: PKHD1 (PKHD1 ciliary IPT domain containing fibrocystin/polyductin; minus strand). Cytogenetic location: 6p12.2.
Variant type: single nucleotide variant.
Coding change: c.2200G>A on transcript NM_138694.4 (MANE Select); coding-DNA position 2200, G replaced by A.
Protein change: p.Val734Met; replaces valine 734 with methionine.
Molecular consequence: missense variant.
Genome position (GRCh38, 1-based): chr6:52,050,236, C>T on the plus strand (G>A on the coding strand, the complement: PKHD1 is on the minus strand). VCF-style: chr6-52050236-C-T. GRCh37 (hg19) VCF-style: chr6-51915034-C-T.
Other names: c.2200G>A, p.Val734Met (NM_170724.3); short protein forms V734M.
Identifiers: ClinVar variation 2633092 (VCV002633092.1), dbSNP rs1806591259, ClinGen allele CA364443843.